The following is an entry in ClinVar:

ClinVar aggregate classification (germline): Uncertain significance. Review status: criteria provided, multiple submitters, no conflicts (2 of 4 stars). 3 submissions from 3 submitters: Uncertain significance (3). Last evaluated 2025-10-24.

Conditions:
Idiopathic generalized epilepsy. Also called: Generalised epilepsy; EIG. Identifiers: MedGen C0270850, MONDO:0005579, OMIM 600669.
Hyperaldosteronism, familial, type IV (HALD4). Also called: FH IV; ALDOSTERONISM, PRIMARY, AND HYPERTENSION. Identifiers: Orphanet 642671, MedGen C4310756, MONDO:0014875, OMIM 617027.
Epilepsy, childhood absence, susceptibility to, 6. Identifiers: Orphanet 64280, MedGen C2749872, MONDO:0012763, OMIM 611942.

Allele frequency attached by ClinVar (database versions not stated): gnomAD 0.00001; gnomAD exomes 0.00001; TOPMed 0.00002.
gnomAD v4.1: 9 of 1,611,288 alleles (0.00056%); highest among the groups gnomAD compares: Middle Eastern, 0.049%; no homozygotes.

Submissions (3):

Labcorp Genetics (formerly Invitae), Labcorp
Classification: Uncertain significance for Idiopathic generalized epilepsy; Hyperaldosteronism, familial, type IV. Last evaluated: 2025-10-24. Review status: criteria provided, single submitter. Criteria: Invitae Variant Classification Sherloc (09022015). Collection method: clinical testing. Allele origin: germline.
Comment: This sequence change replaces threonine, which is neutral and polar, with isoleucine, which is neutral and non-polar, at codon 1624 of the CACNA1H protein (p.Thr1624Ile). The frequency data for this variant in the population databases is considered unreliable, as metrics indicate poor data quality at this position in the gnomAD database. This variant has not been reported in the literature in individuals affected with CACNA1H-related conditions. ClinVar contains an entry for this variant (Variation ID: 1431643). Invitae Evidence Modeling of protein sequence and biophysical properties (such as structural, functional, and spatial information, amino acid conservation, physicochemical variation, residue mobility, and thermodynamic stability) indicates that this missense variant is expected to disrupt CACNA1H protein function with a positive predictive value of 80%. In summary, the available evidence is currently insufficient to determine the role of this variant in disease. Therefore, it has been classified as a Variant of Uncertain Significance.

Fulgent Genetics
Classification: Uncertain significance for Epilepsy, childhood absence, susceptibility to, 6; Hyperaldosteronism, familial, type IV. Last evaluated: 2022-02-18. Review status: criteria provided, single submitter. Criteria: ACMG Guidelines, 2015. Collection method: clinical testing. Allele origin: unknown.

Revvity Omics, Revvity
Classification: Uncertain significance for Hyperaldosteronism, familial, type IV. Last evaluated: 2019-10-19. Review status: criteria provided, single submitter. Criteria: ACMG Guidelines, 2015. Collection method: clinical testing. Allele origin: germline.

NM_021098.3(CACNA1H):c.4871C>T (p.Thr1624Ile)

Gene: CACNA1H (calcium voltage-gated channel subunit alpha1 H; plus strand). Cytogenetic location: 16p13.3.
Variant type: single nucleotide variant.
Coding change: c.4871C>T on transcript NM_021098.3 (MANE Select); coding-DNA position 4871, C replaced by T.
Protein change: p.Thr1624Ile; replaces threonine 1624 with isoleucine.
Molecular consequence: missense variant.
Genome position (GRCh38, 1-based): chr16:1,213,873, C>T. VCF-style: chr16-1213873-C-T. GRCh37 (hg19) VCF-style: chr16-1263873-C-T.
Other names: c.4853C>T, p.Thr1618Ile (NM_001005407.2); c.4871C>T (NM_021098.2); short protein forms T1624I, T1618I.
Identifiers: ClinVar variation 1431643 (VCV001431643.10), dbSNP rs1015123563, ClinGen allele CA276606351.